The following is an entry in ClinVar:

NM_001364905.1(LRBA):c.3267_3275del (p.Asp1089_Ser1091del)

Gene: LRBA (LPS responsive beige-like anchor protein; minus strand). Cytogenetic location: 4q31.3.
Variant type: Deletion.
Coding change: c.3267_3275del on transcript NM_001364905.1 (MANE Select); coding-DNA positions 3267 to 3275, 9 bases deleted (TGCCTCAGA; older notation c.3267_3275delTGCCTCAGA).
Protein change: p.Asp1089_Ser1091del.
Molecular consequence: inframe deletion. On other transcripts: inframe indel (2).
Genome position (GRCh38, 1-based): chr4:150,852,435-150,852,443, TCTGAGGCA deleted on the plus strand (TGCCTCAGA on the coding strand, the reverse complement: LRBA is on the minus strand); deleting any 9 consecutive bases within chr4:150,852,435-150,852,445 gives the same sequence; the c. name uses the placement nearest the transcript's 3' end. VCF-style (leftmost placement, unchanged base first): chr4-150852434-CTCTGAGGCA-C. GRCh37 (hg19) VCF-style: chr4-151773586-CTCTGAGGCA-C.
Other names: c.3265_3273delGATGCCTCA, p.Asp1089_Ser1091del (NM_001199282.3, NM_006726.5); c.3267_3275del, p.Asp1089_Ser1091del (NM_001367550.1).
Identifiers: ClinVar variation 1993980 (VCV001993980.4), dbSNP rs2546500839, ClinGen allele CA2578210663.
Genomic context (GRCh38, chr4:150,852,434, plus strand): 5'-TTCCACATAATCATCATCTTCCTCTTCCTCTACTATAGATTTATCCAAGAATTCTGGCAT[CTCTGAGGCA>C]TCCTCTTCTGAAGGAGAACTTATAGAAGCAGTTACTTCACTGACAGTCATTGAATCTTTG-3'

ClinVar aggregate classification (germline): Uncertain significance (1 of 4 stars; one submission).

Conditions:
Combined immunodeficiency due to LRBA deficiency. Also called: Common variable immunodeficiency 8, with autoimmunity. Identifiers: Orphanet 445018, MedGen C3553512, MONDO:0013863, OMIM 614700.

Submission:

Labcorp Genetics (formerly Invitae), Labcorp
Classification: Uncertain significance for Combined immunodeficiency due to LRBA deficiency. Last evaluated: 2022-05-13. Review status: criteria provided, single submitter. Criteria: Invitae Variant Classification Sherloc (09022015). Collection method: clinical testing. Allele origin: germline.
Comment: This variant is not present in population databases (gnomAD no frequency). This variant, c.3267_3275del, results in the deletion of 3 amino acid(s) of the LRBA protein (p.Asp1089_Ser1091del), but otherwise preserves the integrity of the reading frame. This variant has not been reported in the literature in individuals affected with LRBA-related conditions. Experimental studies and prediction algorithms are not available or were not evaluated, and the functional significance of this variant is currently unknown. In summary, the available evidence is currently insufficient to determine the role of this variant in disease. Therefore, it has been classified as a Variant of Uncertain Significance.